The following is an entry in ClinVar:

ClinVar aggregate classification (germline): Uncertain significance. Review status: criteria provided, multiple submitters, no conflicts (2 of 4 stars). 2 submissions from 2 submitters: Uncertain significance (2). Last evaluated 2025-07-30.

Conditions:
Colorectal cancer, susceptibility to, 12 (CRCS12). Also called: COLORECTAL CANCER, SUSCEPTIBILITY TO, ON CHROMOSOME 12q24. Identifiers: Orphanet 220460, MedGen C3554460, MONDO:0014038, OMIM 615083.
Facial dysmorphism-immunodeficiency-livedo-short stature syndrome. Also called: FILS syndrome; Facial dysmorphism, immunodeficiency, livedo, and short stature. Identifiers: Orphanet 352712, MedGen C3554576, MONDO:0014058, OMIM 615139.
Hereditary cancer-predisposing syndrome. Also called: Hereditary neoplastic syndrome; Neoplastic Syndromes, Hereditary; Hereditary Cancer Syndrome; Tumor predisposition. Identifiers: Orphanet 140162, MedGen C0027672, MeSH D009386, MONDO:0015356.

Allele frequency attached by ClinVar (database versions not stated): gnomAD exomes below 0.00001.
gnomAD v4.1: 1 of 1,613,696 alleles (0.000062%); highest among the groups gnomAD compares: Non-Finnish European, 0.000085%; no homozygotes.

Submissions (2):

Labcorp Genetics (formerly Invitae), Labcorp
Classification: Uncertain significance. Last evaluated: 2025-07-30. Review status: criteria provided, single submitter. Criteria: Invitae Variant Classification Sherloc (09022015). Collection method: clinical testing. Allele origin: germline.
Comment: This sequence change replaces cysteine, which is neutral and slightly polar, with arginine, which is basic and polar, at codon 1642 of the POLE protein (p.Cys1642Arg). This variant is not present in population databases (gnomAD no frequency). This variant has not been reported in the literature in individuals affected with POLE-related conditions. ClinVar contains an entry for this variant (Variation ID: 657592). Invitae Evidence Modeling of protein sequence and biophysical properties (such as structural, functional, and spatial information, amino acid conservation, physicochemical variation, residue mobility, and thermodynamic stability) indicates that this missense variant is not expected to disrupt POLE protein function with a negative predictive value of 80%. In summary, the available evidence is currently insufficient to determine the role of this variant in disease. Therefore, it has been classified as a Variant of Uncertain Significance.

Ambry Genetics
Classification: Uncertain significance for Hereditary cancer-predisposing syndrome. Last evaluated: 2025-03-14. Review status: criteria provided, single submitter. Criteria: Ambry Variant Classification Scheme 2023. Collection method: clinical testing. Allele origin: germline.
Comment: The p.C1642R variant (also known as c.4924T>C), located in coding exon 37 of the POLE gene, results from a T to C substitution at nucleotide position 4924. The cysteine at codon 1642 is replaced by arginine, an amino acid with highly dissimilar properties. This amino acid position is conserved. In addition, the in silico prediction for this alteration is inconclusive. Based on the available evidence, the clinical significance of this variant remains unclear.

NM_006231.4(POLE):c.4924T>C (p.Cys1642Arg)

Gene: POLE (DNA polymerase epsilon, catalytic subunit; minus strand). Cytogenetic location: 12q24.33.
Variant type: single nucleotide variant.
Coding change: c.4924T>C on transcript NM_006231.4 (MANE Select); coding-DNA position 4924, T replaced by C.
Protein change: p.Cys1642Arg; replaces cysteine 1642 with arginine.
Molecular consequence: missense variant.
Genome position (GRCh38, 1-based): chr12:132,642,534, A>G on the plus strand (T>C on the coding strand, the complement: POLE is on the minus strand). VCF-style: chr12-132642534-A-G. GRCh37 (hg19) VCF-style: chr12-133219120-A-G.
Other names: c.4924T>C (NM_006231.2); short protein forms C1642R.
Identifiers: ClinVar variation 657592 (VCV000657592.12), dbSNP rs1593730686, ClinGen allele CA387377901.
Genomic context (GRCh38, chr12:132,642,534, plus strand): 5'-CCACTGGCCCACAACGACAGTACTGTGCTCACCTGCTCATCTCGAAGGCCTGCGACAGGC[A>G]GGTGTCCAGGTTGAGGTAGTGACGGATCATGCGCCGGGCTCCATGGCGCTGCCAGTCCAG-3'
Protein context (NP_006222.2, residues 1632-1652): MIRHYLNLDT[Cys1642Arg]LSQAFEMSRY